The following is an entry in ClinVar:

ClinVar aggregate classification (germline): Uncertain significance. Review status: criteria provided, multiple submitters, no conflicts (2 of 4 stars). 4 submissions from 4 submitters: Uncertain significance (3). 1 of the submissions does not count toward it. Last evaluated 2025-07-24.

Conditions:
Hereditary nonpolyposis colorectal neoplasms. Identifiers: MedGen C0009405, MeSH D003123.
Hereditary cancer-predisposing syndrome. Also called: Hereditary neoplastic syndrome; Tumor predisposition; Neoplastic Syndromes, Hereditary; Hereditary Cancer Syndrome. Identifiers: Orphanet 140162, MedGen C0027672, MeSH D009386, MONDO:0015356.
Carcinoma of colon (CRC). Also called: Colon carcinoma; Colonic carcinoma. Identifiers: MedGen C0699790, MONDO:0002032.

Submissions (4):

Labcorp Genetics (formerly Invitae), Labcorp
Classification: Uncertain significance for Hereditary nonpolyposis colorectal neoplasms. Last evaluated: 2025-07-24. Review status: criteria provided, single submitter. Criteria: Invitae Variant Classification Sherloc (09022015). Collection method: clinical testing. Allele origin: germline.
Comment: This sequence change replaces isoleucine, which is neutral and non-polar, with threonine, which is neutral and polar, at codon 697 of the PMS2 protein (p.Ile697Thr). The frequency data for this variant in the population databases (gnomAD) is considered unreliable due to the presence of homologous sequence, such as pseudogenes or paralogs, in the genome. This variant has not been reported in the literature in individuals affected with PMS2-related conditions. ClinVar contains an entry for this variant (Variation ID: 643089). Invitae Evidence Modeling incorporating data from in vitro experimental studies (internal data) indicates that this missense variant is not expected to disrupt PMS2 function with a negative predictive value of 95%. In summary, the available evidence is currently insufficient to determine the role of this variant in disease. Therefore, it has been classified as a Variant of Uncertain Significance.

Color Diagnostics, LLC DBA Color Health
Classification: Uncertain significance for Hereditary cancer-predisposing syndrome. Last evaluated: 2024-10-15. Review status: criteria provided, single submitter. Criteria: ACMG Guidelines, 2015. Collection method: clinical testing. Allele origin: germline.
Comment: This missense variant replaces isoleucine with threonine at codon 697 of the PMS2 protein. Computational prediction suggests that this variant may have deleterious impact on protein structure and function (internally defined REVEL score threshold >= 0.7, PMID: 27666373). To our knowledge, functional studies have not been reported for this variant. This variant has not been reported in individuals affected with PMS2-related disorders in the literature. This variant has not been identified in the general population by the Genome Aggregation Database (gnomAD). The available evidence is insufficient to determine the role of this variant in disease conclusively. Therefore, this variant is classified as a Variant of Uncertain Significance.

Ambry Genetics
Classification: Uncertain significance for Hereditary cancer-predisposing syndrome. Last evaluated: 2021-08-27. Review status: criteria provided, single submitter. Criteria: Ambry Variant Classification Scheme 2023. Collection method: clinical testing. Allele origin: germline.
Comment: The p.I697T variant (also known as c.2090T>C), located in coding exon 12 of the PMS2 gene, results from a T to C substitution at nucleotide position 2090. The isoleucine at codon 697 is replaced by threonine, an amino acid with similar properties. This amino acid position is not well conserved in available vertebrate species. In addition, this alteration is predicted to be deleterious by in silico analysis. Since supporting evidence is limited at this time, the clinical significance of this alteration remains unclear.

Department of Pathology and Laboratory Medicine, Sinai Health System
Classification: Uncertain significance for Carcinoma of colon. Review status: no assertion criteria provided. Collection method: clinical testing. Allele origin: unknown. Affected: yes. Study: The Canadian Open Genetics Repository (COGR). Not counted in ClinVar's aggregate classification.
Comment: The PMS2 p.Ile697Thr variant was not identified in the literature nor was it identified in the dbSNP or ClinVar databases. The variant was not identified in the following control databases: the Exome Aggregation Consortium (August 8th 2016) or the Genome Aggregation Database (Feb 27, 2017). Although the p.Ile697 residue is not conserved in mammals and other organisms and 5 of 5 computational analyses (PolyPhen-2, SIFT, AlignGVGD, BLOSUM, MutationTaster) suggest that the Thr variant may impact the protein. The variant occurs outside of the splicing consensus sequence and 1 of 4 in silico or computational prediction software programs (SpliceSiteFinder, MaxEntScan, NNSPLICE, GeneSplicer) predict a greater than 10% difference in splicing; this is not very predictive of pathogenicity. In summary, based on the above information, the clinical significance of this variant cannot be determined with certainty at this time. This variant is classified as a variant of uncertain significance.

NM_000535.7(PMS2):c.2090T>C (p.Ile697Thr)

Gene: PMS2 (PMS1 homolog 2, mismatch repair system component; minus strand). Cytogenetic location: 7p22.1.
Variant type: single nucleotide variant.
Coding change: c.2090T>C on transcript NM_000535.7 (MANE Select); coding-DNA position 2090, T replaced by C.
Protein change: p.Ile697Thr; replaces isoleucine 697 with threonine.
Molecular consequence: missense variant. On other transcripts: non-coding transcript variant (1).
Genome position (GRCh38, 1-based): chr7:5,982,908, A>G on the plus strand (T>C on the coding strand, the complement: PMS2 is on the minus strand). VCF-style: chr7-5982908-A-G. GRCh37 (hg19) VCF-style: chr7-6022539-A-G.
Other names: c.1685T>C, p.Ile562Thr (NM_001322003.2, NM_001322004.2, NM_001322005.2 and 1 more transcripts); c.1934T>C, p.Ile645Thr (NM_001322006.2); c.1772T>C, p.Ile591Thr (NM_001322007.2, NM_001322008.2); c.1529T>C, p.Ile510Thr (NM_001322010.2); c.1157T>C, p.Ile386Thr (NM_001322011.2, NM_001322012.2); c.1517T>C, p.Ile506Thr (NM_001322013.2); c.2090T>C, p.Ile697Thr (NM_001322014.2); c.1781T>C, p.Ile594Thr (NM_001322015.2); short protein forms I386T, I562T, I594T, I697T, I506T, I510T, I591T, I645T.
Identifiers: ClinVar variation 643089 (VCV000643089.13), dbSNP rs1583299036, ClinGen allele CA366738017.
Genomic context (GRCh38, chr7:5,982,908, plus strand): 5'-ACGGTGTGCTGCTGCAGCATCTCGAAGTTATACTTCTCGTCCGTGGCATGCTGGTCCACT[A>G]TGAAGATATCCTCATTCAGTTTGGTTATTATAAATCCCAGGTTAAACTGACCAATGATTT-3'
Protein context (NP_000526.2, residues 687-707): IITKLNEDIF[Ile697Thr]VDQHATDEKY